The following is an entry in ClinVar:

NM_002435.3(MPI):c.17-7C>T

Gene: MPI (mannose phosphate isomerase; plus strand). Cytogenetic location: 15q24.1.
Variant type: single nucleotide variant.
Coding change: c.17-7C>T on transcript NM_002435.3 (MANE Select); 7 bases into the intron before coding-DNA position 17, C replaced by T.
Molecular consequence: intron variant. On other transcripts: 5 prime UTR variant (1).
Genome position (GRCh38, 1-based): chr15:74,890,520, C>T. VCF-style: chr15-74890520-C-T. GRCh37 (hg19) VCF-style: chr15-75182861-C-T.
Other names: c.-51C>T (NM_001330372.2); c.17-7C>T (NM_001289155.2, NM_001289157.2); c.-7+431C>T (NM_001289156.2).
Identifiers: ClinVar variation 506778 (VCV000506778.11), dbSNP rs539654088, ClinGen allele CA272821699.

ClinVar aggregate classification (germline): Likely benign. Review status: criteria provided, multiple submitters, no conflicts (2 of 4 stars). 2 submissions from 2 submitters: Likely benign (2). Last evaluated 2024-03-17.

Conditions:
MPI-congenital disorder of glycosylation. Also called: MPI DEFICIENCY; PROTEIN-LOSING ENTEROPATHY-HEPATIC FIBROSIS SYNDROME; CONGENITAL DISORDER OF GLYCOSYLATION, TYPE Ib; CDG Ib; MPI-CDG; MANNOSEPHOSPHATE ISOMERASE DEFICIENCY. Identifiers: Orphanet 79319, MedGen C1865145, MONDO:0011257, OMIM 602579.

Allele frequency attached by ClinVar (database versions not stated): gnomAD exomes below 0.00001; gnomAD 0.00002; TOPMed 0.00002.

Submissions (2):

Labcorp Genetics (formerly Invitae), Labcorp
Classification: Likely benign for MPI-congenital disorder of glycosylation. Last evaluated: 2024-03-17. Review status: criteria provided, single submitter. Criteria: Invitae Variant Classification Sherloc (09022015). Collection method: clinical testing. Allele origin: germline.

GeneDx
Classification: Likely benign. Last evaluated: 2017-01-25. Review status: criteria provided, single submitter. Criteria: GeneDx Variant Classification (06012015). Collection method: clinical testing. Allele origin: germline. Affected: yes.
Comment: This variant is considered likely benign or benign based on one or more of the following criteria: it is a conservative change, it occurs at a poorly conserved position in the protein, it is predicted to be benign by multiple in silico algorithms, and/or has population frequency not consistent with disease.